The following is an entry in ClinVar:

ClinVar aggregate classification (germline): Uncertain significance (1 of 4 stars; one submission).

Conditions:
Inborn genetic diseases. Identifiers: MedGen C0950123, MeSH D030342.

Submission:

Ambry Genetics
Classification: Uncertain significance for Inborn genetic diseases. Last evaluated: 2025-08-22. Review status: criteria provided, single submitter. Criteria: Ambry Variant Classification Scheme 2023. Collection method: clinical testing. Allele origin: germline.
Comment: The p.I37V variant (also known as c.109A>G), located in coding exon 2 of the BUB1B gene, results from an A to G substitution at nucleotide position 109. The isoleucine at codon 37 is replaced by valine, an amino acid with highly similar properties. This amino acid position is conserved. In addition, this alteration is predicted to be tolerated by in silico analysis. Based on the available evidence, the clinical significance of this variant remains unclear.

NM_001211.6(BUB1B):c.109A>G (p.Ile37Val)

Gene: BUB1B (BUB1 mitotic checkpoint serine/threonine kinase B; plus strand). Cytogenetic location: 15q15.1.
Variant type: single nucleotide variant.
Coding change: c.109A>G on transcript NM_001211.6 (MANE Select); coding-DNA position 109, A replaced by G.
Protein change: p.Ile37Val; replaces isoleucine 37 with valine.
Molecular consequence: missense variant.
Genome position (GRCh38, 1-based): chr15:40,165,126, A>G. VCF-style: chr15-40165126-A-G. GRCh37 (hg19) VCF-style: chr15-40457327-A-G.
Other names: short protein forms I37V.
Identifiers: ClinVar variation 4216966 (VCV004216966.1).
Genomic context (GRCh38, chr15:40,165,126, plus strand): 5'-CTGGAGGGAGATGAATGGGAACTGAGTAAAGAAAATGTACAACCTTTAAGGCAAGGGCGG[A>G]TCATGTCCACGCTTCAGGGAGCACTGGCACAAGAATCTGCCTGTAACAATACTCTTCAGC-3'
Protein context (NP_001202.5, residues 27-47): ENVQPLRQGR[Ile37Val]MSTLQGALAQ